The following is an entry in ClinVar:

ClinVar aggregate classification (germline): Likely benign (0 of 4 stars; one submission).

Conditions:
PKD1L1-related disorder. Also called: PKD1L1-related condition.

Allele frequency attached by ClinVar (database versions not stated): ExAC 0.00001; gnomAD exomes 0.00001; TOPMed 0.00001.
gnomAD v4.1: 9 of 1,614,184 alleles (0.00056%); highest among the groups gnomAD compares: Non-Finnish European, 0.00068%; no homozygotes.

Submission:

PreventionGenetics, part of Exact Sciences
Classification: Likely benign for PKD1L1-related condition. Last evaluated: 2023-09-08. Review status: no assertion criteria provided. Collection method: clinical testing. Allele origin: germline.
Comment: This variant is classified as likely benign based on ACMG/AMP sequence variant interpretation guidelines (Richards et al. 2015 PMID: 25741868, with internal and published modifications).

NM_138295.5(PKD1L1):c.6516C>T (p.Ser2172=)

Gene: PKD1L1 (polycystin 1 like 1, transient receptor potential channel interacting; minus strand). Cytogenetic location: 7p12.3.
Variant type: single nucleotide variant.
Coding change: c.6516C>T on transcript NM_138295.5 (MANE Select); coding-DNA position 6516, C replaced by T.
Protein change: p.Ser2172=; no amino-acid change (serine 2172 retained).
Molecular consequence: synonymous variant.
Genome position (GRCh38, 1-based): chr7:47,830,082, G>A on the plus strand (C>T on the coding strand, the complement: PKD1L1 is on the minus strand). VCF-style: chr7-47830082-G-A. GRCh37 (hg19) VCF-style: chr7-47869680-G-A.
Identifiers: ClinVar variation 3050075 (VCV003050075.2), dbSNP rs753153664, ClinGen allele CA4252427.
Genomic context (GRCh38, chr7:47,830,082, plus strand): 5'-ATGGAGGGTGTTTCTTACCATAAGTGGCTGGGTGATGAAAATACAGCAGACCACGGAGAG[G>A]GACAGCAGGTGCAGCCACTGCACACATTGCTCCTGGCCAAACCTGCCCCCAGGGAAAGTG-3'
Protein context (NP_612152.1, residues 2162-2182): EQCVQWLHLL[Ser2172=]LSVVCCIFIT